The following is an entry in ClinVar:

ClinVar aggregate classification (germline): Uncertain significance. Review status: criteria provided, multiple submitters, no conflicts (2 of 4 stars). 2 submissions from 2 submitters: Uncertain significance (2). Last evaluated 2024-10-23.

Conditions:
Fanconi anemia (FA). Also called: Fanconi's anemia. Identifiers: Orphanet 84, MedGen C0015625, MeSH D005199, MONDO:0019391.

Submissions (2):

Labcorp Genetics (formerly Invitae), Labcorp
Classification: Uncertain significance for Fanconi anemia. Last evaluated: 2024-10-23. Review status: criteria provided, single submitter. Criteria: Invitae Variant Classification Sherloc (09022015). Collection method: clinical testing. Allele origin: germline.
Comment: This variant, c.1036_1038del, results in the deletion of 1 amino acid(s) of the FANCD2 protein (p.Leu346del), but otherwise preserves the integrity of the reading frame. The frequency data for this variant in the population databases is considered unreliable, as metrics indicate poor data quality at this position in the gnomAD database. This variant has not been reported in the literature in individuals affected with FANCD2-related conditions. ClinVar contains an entry for this variant (Variation ID: 1523009). Experimental studies and prediction algorithms are not available or were not evaluated, and the functional significance of this variant is currently unknown. In summary, the available evidence is currently insufficient to determine the role of this variant in disease. Therefore, it has been classified as a Variant of Uncertain Significance.

Sema4
Classification: Uncertain significance for Fanconi anemia. Last evaluated: 2022-01-12. Review status: criteria provided, single submitter. Criteria: Sema4 Curation Guidelines. Collection method: curation. Allele origin: germline.
Comment: The FANCD2 c.1036_1038delCTC (p.L346del) variant has not been reported in the literature to our knowledge. It was observed in 1/282104 chromosomes across all populations, in the large and broad cohorts of the Genome Aggregation Database (PMID: 32461654). The variant has not been reported in ClinVar. The evidence is insufficient to meet ACMG/AMP criteria for classifying the variant as benign or pathogenic. Thus, the clinical significance of this variant is currently uncertain.

NM_001018115.3(FANCD2):c.1033CTC[1] (p.Leu346del)

Genes: FANCD2 (FA complementation group D2; plus strand), LOC107303338 (3p25 FANCD2 Alu-mediated recombination region; plus strand). Cytogenetic location: 3p25.3.
Variant type: Microsatellite.
Coding change: c.1033CTC[1] on transcript NM_001018115.3 (MANE Select); one copy of the 3-base unit CTC starting at c.1033; the reference has two copies in a row; one copy, 3 bases deleted.
Protein change: p.Leu346del; deletes leucine 346.
Molecular consequence: inframe deletion.
Genome position (GRCh38, 1-based): chr3:10,043,530-10,043,532, CTC deleted; deleting any 3 consecutive bases within chr3:10,043,527-10,043,532 gives the same sequence; the position shown is the placement nearest the transcript's 3' end. VCF-style (leftmost placement, unchanged base first): chr3-10043526-TCTC-T. GRCh37 (hg19) VCF-style: chr3-10085210-TCTC-T.
Other names: c.1033CTC[1], p.Leu346del (NM_001319984.2, NM_001374253.1, NM_001374254.1 and 1 more transcripts); short protein forms L346del.
Identifiers: ClinVar variation 1523009 (VCV001523009.9), dbSNP rs1158786668, ClinGen allele CA540892454.